The following is an entry in ClinVar:

ClinVar aggregate classification (germline): Likely pathogenic (1 of 4 stars; one submission).

Conditions:
Analbuminemia (ANALBA). Also called: Analbuminemia, American Indian type; Analbuminemia, Vancouver. Identifiers: Orphanet 86816, MedGen C0878666, OMIM 616000.

Submission:

Human Genetics Section, Sidra Medicine
Classification: Likely pathogenic for Analbuminemia. Last evaluated: 2026-01-26. Review status: criteria provided, single submitter. Criteria: ACMG Guidelines, 2015. Collection method: research. Allele origin: germline. Affected: yes.
Comment: The insertion variant is predicted ot result in a premature stop codon at position 69, and likely results in an absent or disrupted protein product (PVS1). Variant was homozygous (PPM3) in affected individuals with Hypoalbuminemia (PP4). Based on the available evidence, this variant is classified as Likely Pathogenic.

NM_000477.7(ALB):c.204_205insTAACTGTAATTAATTAAATTAATTAAATGTAAAATTCAGT (p.Glu69Ter)

Gene: ALB (albumin; plus strand). Cytogenetic location: 4q13.3.
Variant type: Insertion.
Coding change: c.204_205insTAACTGTAATTAATTAAATTAATTAAATGTAAAATTCAGT on transcript NM_000477.7 (MANE Select); coding-DNA positions 204 to 205, TAACTGTAATTAATTAAATTAATTAAATGTAAAATTCAGT inserted.
Protein change: p.Glu69Ter; replaces glutamic acid 69 with a stop codon.
Molecular consequence: nonsense.
Genome position: GRCh38: chr4:73,406,695-73,406,696. GRCh37 (hg19): chr4:74,272,412-74,272,413.
Other names: short protein forms E69*.
Identifiers: ClinVar variation 4755387 (VCV004755387.1).